The following is an entry in ClinVar:

NM_001080453.3(INTS1):c.4492C>T (p.Arg1498Ter)

Gene: INTS1 (integrator complex subunit 1; minus strand). Cytogenetic location: 7p22.3.
Variant type: single nucleotide variant.
Coding change: c.4492C>T on transcript NM_001080453.3 (MANE Select); coding-DNA position 4492, C replaced by T.
Protein change: p.Arg1498Ter; replaces arginine 1498 with a stop codon.
Molecular consequence: nonsense.
Genome position (GRCh38, 1-based): chr7:1,478,504, G>A on the plus strand (C>T on the coding strand, the complement: INTS1 is on the minus strand). VCF-style: chr7-1478504-G-A. GRCh37 (hg19) VCF-style: chr7-1518140-G-A.
Other names: short protein forms R1498*.
Identifiers: ClinVar variation 5008078 (VCV005008078.1).

ClinVar aggregate classification (germline): Uncertain significance (1 of 4 stars; one submission).

Submission:

GeneDx
Classification: Uncertain significance. Last evaluated: 2026-02-26. Review status: criteria provided, single submitter. Criteria: GeneDx Variant Classification Process June 2021. Collection method: clinical testing. Allele origin: germline.
Comment: Nonsense variant predicted to result in protein truncation or nonsense mediated decay in a gene for which loss of function is a known mechanism of disease; Has not been previously published as pathogenic or benign to our knowledge